The following is an entry in ClinVar:

ClinVar aggregate classification (germline): Benign. Review status: reviewed by expert panel (3 of 4 stars). 6 submissions from 6 submitters: Benign (1). 5 of the submissions do not count toward it. Last evaluated 2022-06-06.

Conditions:
SLC6A8-related disorder. Also called: SLC6A8-related condition.
Creatine transporter deficiency (CCDS1). Also called: Mental retardation , X-linked with seizures, short stature and midface hypoplasia; Mental retardation , X-linked, with creatine transport deficiency; X-linked creatine transporter deficiency; X-linked creatine deficiency syndrome; SLC6A8-Related Creatine Transporter Deficiency; CREATINE TRANSPORTER DEFECT. Identifiers: Orphanet 52503, MedGen C1845862, MONDO:0010305, OMIM 300352.

Allele frequency attached by ClinVar (database versions not stated): 1000 Genomes Project 0.00026; 1000 Genomes Project 30x 0.00042; ESP Exome Variant Server 0.00047; gnomAD 0.00047 and 0.00048; TOPMed 0.00049.

Submissions (6):

ClinGen Cerebral Creatine Deficiency Syndromes Variant Curation Expert Panel, ClinGen
Classification: Benign for Creatine transporter deficiency. Last evaluated: 2022-06-06. Review status: reviewed by expert panel. Criteria: ClinGen_CCDS_ACMG_Specifications_SLC6A8_v1.1. Collection method: curation. Allele origin: germline. Inheritance: X-linked inheritance.
Comment: The NM_005629.4:c.1016+9C>T variant in SLC6A8 is an intronic variant in the region of the donor splice site of intron 6. The total number of hemizygotes in gnomAD v2.1.1 is 46, meeting the ClinGen CCDS VCEP’s threshold for BA1 (>10 hemizygotes). The highest minor allele frequency is 0.0009212 (European non-Finnish) with 39 hemizygotes in that population (BA1). The computational predictors SpliceAI and varSEAK predict that the variant has no impact in splicing (BP4). There is a ClinVar entry for the variant (Variation ID: 379398). In summary, this variant meets the criteria to be classified as benign for creatine transporter deficiency. SLC6A8-specific ACMG-AMP criteria applied, as specified by the ClinGen CCDS VCEP (Specifications Version 1.1.0): BA1, BP4. (Classification approved by the ClinGen CCDS VCEP on June 6, 2022).

Labcorp Genetics (formerly Invitae), Labcorp
Classification: Benign for Creatine transporter deficiency. Last evaluated: 2026-02-01. Review status: criteria provided, single submitter. Criteria: Invitae Variant Classification Sherloc (09022015). Collection method: clinical testing. Allele origin: germline. Not counted in ClinVar's aggregate classification.

Mayo Clinic Laboratories, Mayo Clinic
Classification: Likely benign. Last evaluated: 2025-10-03. Review status: criteria provided, single submitter. Criteria: ACMG Guidelines, 2015. Collection method: clinical testing. Allele origin: germline. Observed: 1 variant allele. Not counted in ClinVar's aggregate classification.
Comment: BS1, BP4, BP7

Blueprint Genetics
Classification: Likely benign. Last evaluated: 2024-11-13. Review status: criteria provided, single submitter. Criteria: ACMG Guidelines, 2015. Collection method: clinical testing. Allele origin: germline. Not counted in ClinVar's aggregate classification.

GeneDx
Classification: Likely benign. Last evaluated: 2018-01-03. Review status: criteria provided, single submitter. Criteria: GeneDx Variant Classification (06012015). Collection method: clinical testing. Allele origin: germline. Affected: yes. Not counted in ClinVar's aggregate classification.
Comment: This variant is considered likely benign or benign based on one or more of the following criteria: it is a conservative change, it occurs at a poorly conserved position in the protein, it is predicted to be benign by multiple in silico algorithms, and/or has population frequency not consistent with disease.

PreventionGenetics, part of Exact Sciences
Classification: Likely benign for SLC6A8-related condition. Last evaluated: 2019-05-22. Review status: no assertion criteria provided. Collection method: clinical testing. Allele origin: germline. Not counted in ClinVar's aggregate classification.
Comment: This variant is classified as likely benign based on ACMG/AMP sequence variant interpretation guidelines (Richards et al. 2015 PMID: 25741868, with internal and published modifications).

NM_005629.4(SLC6A8):c.1016+9C>T

Gene: SLC6A8 (solute carrier family 6 member 8; plus strand). Cytogenetic location: Xq28.
Variant type: single nucleotide variant.
Coding change: c.1016+9C>T on transcript NM_005629.4 (MANE Select); 9 bases into the intron after coding-DNA position 1016, C replaced by T.
Molecular consequence: intron variant.
Genome position (GRCh38, 1-based): chrX:153,693,375, C>T. VCF-style: chrX-153693375-C-T. GRCh37 (hg19) VCF-style: chrX-152958830-C-T.
Other names: p.?; c.1016+9C>T (NM_001142805.2); c.671+9C>T (NM_001142806.1).
Identifiers: ClinVar variation 379398 (VCV000379398.17), dbSNP rs190690083, ClinGen allele CA10549374.